The following is an entry in ClinVar:

NM_006231.4(POLE):c.1759_1762del (p.Lys587fs)

Gene: POLE (DNA polymerase epsilon, catalytic subunit; minus strand). Cytogenetic location: 12q24.33.
Variant type: Deletion.
Coding change: c.1759_1762del on transcript NM_006231.4 (MANE Select); coding-DNA positions 1759 to 1762, 4 bases deleted (AAAG; older notation c.1759_1762delAAAG).
Protein change: p.Lys587fs; shifts the reading frame from lysine 587.
Molecular consequence: frameshift variant.
Genome position (GRCh38, 1-based): chr12:132,672,247-132,672,250, CTTT deleted on the plus strand (AAAG on the coding strand, the reverse complement: POLE is on the minus strand); deleting any 4 consecutive bases within chr12:132,672,247-132,672,252 gives the same sequence; the c. name uses the placement nearest the transcript's 3' end. VCF-style (leftmost placement, unchanged base first): chr12-132672246-ACTTT-A. GRCh37 (hg19) VCF-style: chr12-133248832-ACTTT-A.
Other names: short protein forms K587fs.
Identifiers: ClinVar variation 2068338 (VCV002068338.4), dbSNP rs2542128153, ClinGen allele CA2580085978.
Genomic context (GRCh38, chr12:132,672,246, plus strand): 5'-CTGGCTCTTCCTGCCTCCCTGATGGTTACCTCTTCAAAGTTGGTGACTTGCTCCACAGGC[ACTTT>A]CTCCTCTTCCTCAAGGGCGTGGCGCAAGGTCTTCTCAACCCGCTGCAGCAGGAAGTCAAA-3'

ClinVar aggregate classification (germline): Pathogenic (1 of 4 stars; one submission).

Submission:

Labcorp Genetics (formerly Invitae), Labcorp
Classification: Pathogenic. Last evaluated: 2022-05-12. Review status: criteria provided, single submitter. Criteria: Invitae Variant Classification Sherloc (09022015). Collection method: clinical testing. Allele origin: germline.
Comment: For these reasons, this variant has been classified as Pathogenic. This variant has not been reported in the literature in individuals affected with POLE-related conditions. This variant is not present in population databases (gnomAD no frequency). This sequence change creates a premature translational stop signal (p.Lys587Cysfs*23) in the POLE gene. It is expected to result in an absent or disrupted protein product. Loss-of-function variants in POLE are known to be pathogenic (PMID: 23230001, 25948378, 30503519).

Literature cited by the submitters: PubMed 23230001; PubMed 25948378; PubMed 30503519.